The following is an entry in ClinVar:

ClinVar aggregate classification (germline): Likely benign (0 of 4 stars; one submission).

Conditions:
GNAS-related disorder. Identifiers: MedGen CN380105.

gnomAD v4.1: 107 of 1,601,380 alleles (0.0067%); highest among the groups gnomAD compares: African/African-American, 0.096%; no homozygotes.

Submission:

PreventionGenetics, part of Exact Sciences
Classification: Likely benign for GNAS-related condition. Last evaluated: 2022-02-02. Review status: no assertion criteria provided. Collection method: clinical testing. Allele origin: germline.
Comment: This variant is classified as likely benign based on ACMG/AMP sequence variant interpretation guidelines (Richards et al. 2015 PMID: 25741868, with internal and published modifications).

NM_080425.4(GNAS):c.628G>T (p.Ala210Ser)

Gene: GNAS (GNAS complex locus; plus strand). Cytogenetic location: 20q13.32.
Variant type: single nucleotide variant.
Coding change: c.628G>T on transcript NM_080425.4 (MANE Plus Clinical); coding-DNA position 628, G replaced by T.
Protein change: p.Ala210Ser; replaces alanine 210 with serine.
Molecular consequence: missense variant. On other transcripts: intron variant (3).
Genome position (GRCh38, 1-based): chr20:58,853,893, G>T. VCF-style: chr20-58853893-G-T. GRCh37 (hg19) VCF-style: chr20-57428948-G-T.
Other names: c.441G>T, p.Arg147Ser (NM_001077490.3, NM_001309883.1); c.628G>T, p.Ala210Ser (NM_001410913.1); c.*42+13007G>T (NM_016592.5); c.43+13007G>T (NM_001410912.1); c.-39+12018G>T (NM_001309861.2); short protein forms A210S, R147S.
Identifiers: ClinVar variation 3042623 (VCV003042623.2), dbSNP rs61749696, ClinGen allele CA9926506.
Genomic context (GRCh38, chr20:58,853,893, plus strand): 5'-GGTGCTGCAGGGGTCCCCGGAGCTCCTCCCGAGGAGCCCCAAGCCCTCAGGCCTGCAAAG[G>T]CTGGCTCCAGAGGAGGCTACAGCCCTCCCCCTGAGGAGACTATGCCATTTGAGCTTGATG-3'
Protein context (NP_536350.2, residues 200-220): EEPQALRPAK[Ala210Ser]GSRGGYSPPP